The following is an entry in ClinVar:

ClinVar aggregate classification (germline): Uncertain significance. Review status: criteria provided, multiple submitters, no conflicts (2 of 4 stars). 2 submissions from 2 submitters: Uncertain significance (2). Last evaluated 2024-10-01.

Conditions:
Inborn genetic diseases. Identifiers: MedGen C0950123, MeSH D030342.

Allele frequency attached by ClinVar (database versions not stated): gnomAD 0.00001; TOPMed 0.00002; ESP Exome Variant Server 0.00008.
gnomAD v4.1: 1 of 1,614,078 alleles (0.000062%); highest among the groups gnomAD compares: African/African-American, 0.0013%; no homozygotes.

Submissions (2):

Ambry Genetics
Classification: Uncertain significance for Inborn genetic diseases. Last evaluated: 2024-10-01. Review status: criteria provided, single submitter. Criteria: Ambry Variant Classification Scheme 2023. Collection method: clinical testing. Allele origin: germline.

Labcorp Genetics (formerly Invitae), Labcorp
Classification: Uncertain significance. Last evaluated: 2022-08-31. Review status: criteria provided, single submitter. Criteria: Invitae Variant Classification Sherloc (09022015). Collection method: clinical testing. Allele origin: germline.
Comment: In summary, the available evidence is currently insufficient to determine the role of this variant in disease. Therefore, it has been classified as a Variant of Uncertain Significance. Advanced modeling of protein sequence and biophysical properties (such as structural, functional, and spatial information, amino acid conservation, physicochemical variation, residue mobility, and thermodynamic stability) performed at Invitae indicates that this missense variant is not expected to disrupt LRP5 protein function. This variant has not been reported in the literature in individuals affected with LRP5-related conditions. This variant is not present in population databases (gnomAD no frequency). This sequence change replaces phenylalanine, which is neutral and non-polar, with valine, which is neutral and non-polar, at codon 617 of the LRP5 protein (p.Phe617Val).

NM_002335.4(LRP5):c.1849T>G (p.Phe617Val)

Gene: LRP5 (LDL receptor related protein 5; plus strand). Cytogenetic location: 11q13.2.
Variant type: single nucleotide variant.
Coding change: c.1849T>G on transcript NM_002335.4 (MANE Select); coding-DNA position 1849, T replaced by G.
Protein change: p.Phe617Val; replaces phenylalanine 617 with valine.
Molecular consequence: missense variant.
Genome position (GRCh38, 1-based): chr11:68,406,571, T>G. VCF-style: chr11-68406571-T-G. GRCh37 (hg19) VCF-style: chr11-68174039-T-G.
Other names: c.106T>G, p.Phe36Val (NM_001291902.2); c.1849T>G (NM_002335.2); short protein forms F617V, F36V.
Identifiers: ClinVar variation 1900852 (VCV001900852.6), dbSNP rs367619965, ClinGen allele CA224268229.